The following is an entry in ClinVar:

ClinVar aggregate classification (germline): Conflicting classifications of pathogenicity. Review status: criteria provided, conflicting classifications (1 of 4 stars). 6 submissions from 6 submitters: Uncertain significance (5); Likely benign (1). Last evaluated 2025-11-12.

Conditions:
Cardiomyopathy (CMYO). Also called: Cardiomyopathies. Identifiers: Orphanet 167848, MedGen C0878544, MONDO:0004994, HP:0001638. Inheritance: Various modes of inheritance.
Cardiovascular phenotype. Identifiers: MedGen CN230736.
Hypertrophic cardiomyopathy. Also called: HYPERTROPHIC MYOCARDIOPATHY. Identifiers: Orphanet 217569, MedGen C0007194, MeSH D002312, MONDO:0005045, HP:0001639.

Allele frequency attached by ClinVar (database versions not stated): gnomAD exomes 0.00002 and 0.00001; TOPMed 0.00002; ExAC 0.00004; gnomAD 0.00004.
gnomAD v4.1: 19 of 1,613,526 alleles (0.0012%); highest among the groups gnomAD compares: African/African-American, 0.008%; no homozygotes.

Submissions (6):

Labcorp Genetics (formerly Invitae), Labcorp
Classification: Uncertain significance for Hypertrophic cardiomyopathy. Last evaluated: 2025-11-12. Review status: criteria provided, single submitter. Criteria: Invitae Variant Classification Sherloc (09022015). Collection method: clinical testing. Allele origin: germline.
Comment: This sequence change replaces arginine, which is basic and polar, with histidine, which is basic and polar, at codon 726 of the MYBPC3 protein (p.Arg726His). This variant is present in population databases (rs397515953, gnomAD 0.01%). This missense change has been observed in individual(s) with peripartum cardiomyopathy (PMID: 33874732). ClinVar contains an entry for this variant (Variation ID: 42603). An algorithm developed to predict the effect of missense changes on protein structure and function outputs the following: PolyPhen-2: "Benign". The histidine amino acid residue is found in multiple mammalian species, which suggests that this missense change does not adversely affect protein function. In summary, the available evidence is currently insufficient to determine the role of this variant in disease. Therefore, it has been classified as a Variant of Uncertain Significance.

Color Diagnostics, LLC DBA Color Health
Classification: Uncertain significance for Cardiomyopathy. Last evaluated: 2024-11-25. Review status: criteria provided, single submitter. Criteria: ACMG Guidelines, 2015. Collection method: clinical testing. Allele origin: germline.
Comment: This missense variant replaces arginine with histidine at codon 726 of the MYBPC3 protein. Computational prediction suggests that this variant may not impact protein structure and function. To our knowledge, functional studies have not been reported for this variant. This variant has been reported in an individual affected with peripartum cardiomyopathy (PMID: 33874732). This variant has been identified in 7/279060 chromosomes in the general population by the Genome Aggregation Database (gnomAD). The available evidence is insufficient to determine the role of this variant in disease conclusively. Therefore, this variant is classified as a Variant of Uncertain Significance.

Ambry Genetics
Classification: Likely benign for Cardiovascular phenotype. Last evaluated: 2024-06-06. Review status: criteria provided, single submitter. Criteria: Ambry Variant Classification Scheme 2023. Collection method: clinical testing. Allele origin: germline.

All of Us Research Program, National Institutes of Health
Classification: Uncertain significance for Hypertrophic cardiomyopathy. Last evaluated: 2023-10-06. Review status: criteria provided, single submitter. Criteria: ACMG Guidelines, 2015. Collection method: clinical testing. Allele origin: germline. Inheritance: Autosomal dominant inheritance. Observed: 1 variant allele, 1 heterozygote.
Comment: Variant of Uncertain Significance due to insufficient evidence: This missense variant is located in the Ig-like domain C5 of the MYBPC3 protein. Computational prediction tools and conservation analyses suggest that this variant may not impact the protein function. Computational splicing tools suggest that this variant may not impact RNA splicing. To our knowledge, functional assays have not been performed for this variant nor has this variant been reported in individuals affected with cardiovascular disorders in the literature. This variant has been identified in 7/275860 chromosomes in the general population by the Genome Aggregation Database (gnomAD). Available evidence is insufficient to determine the pathogenicity of this variant conclusively.

This study involves interpretation of variants in research participants for the purpose of population health screening. Participant phenotype was not available at the time of variant classification. Additional details can be found in publication PMID: 35346344, PMCID: PMC8962531

GeneDx
Classification: Uncertain significance. Last evaluated: 2022-12-09. Review status: criteria provided, single submitter. Criteria: GeneDx Variant Classification Process June 2021. Collection method: clinical testing. Allele origin: germline. Affected: yes.
Comment: Has not been previously published as pathogenic or benign to our knowledge; In silico analysis supports that this missense variant does not alter protein structure/function

Laboratory for Molecular Medicine, Mass General Brigham Personalized Medicine
Classification: Uncertain significance. Last evaluated: 2012-09-26. Review status: criteria provided, single submitter. Criteria: LMM Criteria. Collection method: clinical testing. Allele origin: germline. Observed: 1 variant allele.
Comment: Variant classified as Uncertain Significance - Favor Benign. The Arg726His varia nt in MYBPC3 has not been reported in the literature nor previously identified b y our laboratory. The affected amino acid is poorly conserved in evolution with the variant amino acid (His) present in several mammalian species. This sugges ts (but does not prove) that this change is tolerated. This variant is less like ly disease causing but additional data is needed to confidently rule out a role in disease.

Literature cited by the submitters: PubMed 33874732 (cited by Labcorp Genetics (formerly Invitae), Labcorp and Color Diagnostics, LLC DBA Color Health).

NM_000256.3(MYBPC3):c.2177G>A (p.Arg726His)

Gene: MYBPC3 (myosin binding protein C3; minus strand). Cytogenetic location: 11p11.2.
Variant type: single nucleotide variant.
Coding change: c.2177G>A on transcript NM_000256.3 (MANE Select); coding-DNA position 2177, G replaced by A.
Protein change: p.Arg726His; replaces arginine 726 with histidine.
Molecular consequence: missense variant.
Genome position (GRCh38, 1-based): chr11:47,338,651, C>T on the plus strand (G>A on the coding strand, the complement: MYBPC3 is on the minus strand). VCF-style: chr11-47338651-C-T. GRCh37 (hg19) VCF-style: chr11-47360202-C-T.
Other names: short protein forms R726H.
Identifiers: ClinVar variation 42603 (VCV000042603.23), dbSNP rs397515953, ClinGen allele CA011823.